The following is an entry in ClinVar:

ClinVar aggregate classification (germline): Likely benign. Review status: criteria provided, multiple submitters, no conflicts (2 of 4 stars). 2 submissions from 2 submitters: Likely benign (2). Last evaluated 2025-03-05.

Submissions (2):

Women's Health and Genetics/Laboratory Corporation of America, LabCorp
Classification: Likely benign. Last evaluated: 2025-03-05. Review status: criteria provided, single submitter. Criteria: LabCorp Variant Classification Summary - May 2015. Collection method: clinical testing. Allele origin: germline.
Comment: Variant summary: COL9A1 c.2169T>A alters a conserved nucleotide resulting in a synonymous change. Consensus agreement among computation tools predict no significant impact on normal splicing. However, these predictions have yet to be confirmed by functional studies. The variant was absent in 251264 control chromosomes. The available data on variant occurrences in the general population are insufficient to allow any conclusion about variant significance. To our knowledge, no occurrence of c.2169T>A in individuals affected with COL9A1-Related Disorders and no experimental evidence demonstrating its impact on protein function have been reported. ClinVar contains an entry for this variant (Variation ID: 3691959). Based on the evidence outlined above, the variant was classified as likely benign.

Labcorp Genetics (formerly Invitae), Labcorp
Classification: Likely benign. Last evaluated: 2024-09-16. Review status: criteria provided, single submitter. Criteria: Invitae Variant Classification Sherloc (09022015). Collection method: clinical testing. Allele origin: germline.

NM_001851.6(COL9A1):c.2169T>A (p.Pro723=)

Gene: COL9A1 (collagen type IX alpha 1 chain; minus strand). Cytogenetic location: 6q13.
Variant type: single nucleotide variant.
Coding change: c.2169T>A on transcript NM_001851.6 (MANE Select); coding-DNA position 2169, T replaced by A.
Protein change: p.Pro723=; no amino-acid change (proline 723 retained).
Molecular consequence: synonymous variant. On other transcripts: non-coding transcript variant (1), intron variant (1).
Genome position (GRCh38, 1-based): chr6:70,234,884, A>T on the plus strand (T>A on the coding strand, the complement: COL9A1 is on the minus strand). VCF-style: chr6-70234884-A-T. GRCh37 (hg19) VCF-style: chr6-70944587-A-T.
Other names: c.1470T>A, p.Pro490= (NM_001377289.1); c.1440T>A, p.Pro480= (NM_078485.4); c.1384-291T>A (NM_001377290.1).
Identifiers: ClinVar variation 3691959 (VCV003691959.3).